The following is an entry in ClinVar:

ClinVar aggregate classification (germline): Pathogenic (1 of 4 stars; one submission).

Submission:

Labcorp Genetics (formerly Invitae), Labcorp
Classification: Pathogenic. Last evaluated: 2022-05-12. Review status: criteria provided, single submitter. Criteria: Invitae Variant Classification Sherloc (09022015). Collection method: clinical testing. Allele origin: germline.
Comment: ClinVar contains an entry for this variant (Variation ID: 947072). This variant has not been reported in the literature in individuals affected with POLE-related conditions. This variant is not present in population databases (gnomAD no frequency). This sequence change creates a premature translational stop signal (p.Tyr2054*) in the POLE gene. It is expected to result in an absent or disrupted protein product. Loss-of-function variants in POLE are known to be pathogenic (PMID: 23230001, 25948378, 30503519). Algorithms developed to predict the effect of sequence changes on RNA splicing suggest that this variant may disrupt the consensus splice site. For these reasons, this variant has been classified as Pathogenic.

Literature cited by the submitters: PubMed 23230001; PubMed 25948378; PubMed 30503519.

NM_006231.4(POLE):c.6162T>G (p.Tyr2054Ter)

Gene: POLE (DNA polymerase epsilon, catalytic subunit; minus strand). Cytogenetic location: 12q24.33.
Variant type: single nucleotide variant.
Coding change: c.6162T>G on transcript NM_006231.4 (MANE Select); coding-DNA position 6162, T replaced by G.
Protein change: p.Tyr2054Ter; replaces tyrosine 2054 with a stop codon.
Molecular consequence: nonsense.
Genome position (GRCh38, 1-based): chr12:132,632,483, A>C on the plus strand (T>G on the coding strand, the complement: POLE is on the minus strand). VCF-style: chr12-132632483-A-C. GRCh37 (hg19) VCF-style: chr12-133209069-A-C.
Other names: short protein forms Y2054*.
Identifiers: ClinVar variation 947072 (VCV000947072.9), dbSNP rs1057523175, ClinGen allele CA387369958.
Genomic context (GRCh38, chr12:132,632,483, plus strand): 5'-GACTTTCTTCTGAATCTTCTGAGTGATGGTGAAGAAGCTCTGAGTGAGCTCATTTGCGAC[A>C]TAATCCTGAGAGAAGGTGATCATTCCTGGAAGTATAAGGATGCTGAGGGAGGGGTCTGGG-3'